The following is an entry in ClinVar:

NM_000030.3(AGXT):c.323G>A (p.Trp108Ter)

Gene: AGXT (alanine--glyoxylate aminotransferase; plus strand). Cytogenetic location: 2q37.3.
Variant type: single nucleotide variant.
Coding change: c.323G>A on transcript NM_000030.3 (MANE Select); coding-DNA position 323, G replaced by A.
Protein change: p.Trp108Ter; replaces tryptophan 108 with a stop codon.
Molecular consequence: nonsense.
Genome position (GRCh38, 1-based): chr2:240,869,327, G>A. VCF-style: chr2-240869327-G-A. GRCh37 (hg19) VCF-style: chr2-241808744-G-A.
Other names: short protein forms W108*.
Identifiers: ClinVar variation 204088 (VCV000204088.11), dbSNP rs180177198, ClinGen allele CA275661.

ClinVar aggregate classification (germline): Pathogenic. Review status: criteria provided, single submitter (1 of 4 stars). 2 submissions from 2 submitters: Pathogenic (1). 1 of the submissions does not count toward it. Last evaluated 2020-09-24.

Conditions:
Primary hyperoxaluria, type I (HP1). Also called: OXALOSIS I; GLYCOLIC ACIDURIA; HEPATIC AGT DEFICIENCY; Primary hyperoxaluria type 1. Identifiers: Orphanet 416, Orphanet 93598, MedGen C0268164, MONDO:0009823, OMIM 259900. Disease mechanism: loss of function.

Submissions (2):

Labcorp Genetics (formerly Invitae), Labcorp
Classification: Pathogenic. Last evaluated: 2020-09-24. Review status: criteria provided, single submitter. Criteria: Invitae Variant Classification Sherloc (09022015). Collection method: clinical testing. Allele origin: germline.
Comment: For these reasons, this variant has been classified as Pathogenic. Loss-of-function variants in AGXT are known to be pathogenic (PMID: 19479957). Algorithms developed to predict the effect of sequence changes on RNA splicing suggest that this variant may create or strengthen a splice site, but this prediction has not been confirmed by published transcriptional studies. This variant has been observed in individual(s) with hyperoxaluria (PMID: 19479957). ClinVar contains an entry for this variant (Variation ID: 204088). This variant is not present in population databases (ExAC no frequency). This sequence change creates a premature translational stop signal (p.Trp108*) in the AGXT gene. It is expected to result in an absent or disrupted protein product.

Clinical Biochemistry Laboratory, Health Services Laboratory
Classification: Pathogenic for Primary hyperoxaluria, type I. Last evaluated: 2014-11-27. Review status: no assertion criteria provided. Collection method: research. Allele origin: germline. Affected: yes. Not counted in ClinVar's aggregate classification.

Literature cited by the submitters: PubMed 19479957 (cited by Labcorp Genetics (formerly Invitae), Labcorp and Clinical Biochemistry Laboratory, Health Services Laboratory).